The following is an entry in ClinVar:

NM_001385012.1(NBEA):c.3824A>G (p.Lys1275Arg)

Gene: NBEA (neurobeachin; plus strand). Cytogenetic location: 13q13.3.
Variant type: single nucleotide variant.
Coding change: c.3824A>G on transcript NM_001385012.1 (MANE Select); coding-DNA position 3824, A replaced by G.
Protein change: p.Lys1275Arg; replaces lysine 1275 with arginine.
Molecular consequence: missense variant.
Genome position (GRCh38, 1-based): chr13:35,159,995, A>G. VCF-style: chr13-35159995-A-G. GRCh37 (hg19) VCF-style: chr13-35734132-A-G.
Other names: c.3824A>G, p.Lys1275Arg (NM_001379245.1, NM_015678.5); short protein forms K1275R.
Identifiers: ClinVar variation 2350437 (VCV002350437.6), dbSNP rs187963260, ClinGen allele CA6946689.

ClinVar aggregate classification (germline): Likely benign. Review status: criteria provided, multiple submitters, no conflicts (2 of 4 stars). 4 submissions from 4 submitters: Likely benign (3). 1 of the submissions does not count toward it. Last evaluated 2026-08-01.

Conditions:
NBEA-related disorder. Also called: NBEA-related condition.
Inborn genetic diseases. Identifiers: MedGen C0950123, MeSH D030342.

Allele frequency attached by ClinVar (database versions not stated): gnomAD exomes 0.00009; gnomAD 0.00011; 1000 Genomes Project 0.00020; TOPMed 0.00029; 1000 Genomes Project 30x 0.00031; ExAC 0.00062.
gnomAD v4.1: 140 of 1,589,056 alleles (0.0088%); highest among the groups gnomAD compares: Admixed American, 0.24%; 2 homozygotes.

Submissions (4):

CeGaT Center for Human Genetics Tuebingen
Classification: Likely benign. Last evaluated: 2026-08-01. Review status: criteria provided, single submitter. Criteria: CeGaT Center For Human Genetics Tuebingen Variant Classification Criteria Version 2. Collection method: clinical testing. Allele origin: germline. Affected: yes. Observed: 3 variant alleles.
Comment: NBEA: BP4, BS1

Women's Health and Genetics/Laboratory Corporation of America, LabCorp
Classification: Likely benign. Last evaluated: 2026-01-12. Review status: criteria provided, single submitter. Criteria: LabCorp Variant Classification Summary - May 2015. Collection method: clinical testing. Allele origin: germline.
Comment: Variant summary: NBEA c.3824A>G (p.Lys1275Arg) results in a conservative amino acid change in the encoded protein sequence. Algorithms developed to predict the effect of missense changes on protein structure and function are either unavailable or do not agree on the potential impact of this missense change. The variant allele was found at a frequency of 0.00048 in 213154 control chromosomes, predominantly at a frequency of 0.0034 within the Latino subpopulation in the gnomAD database, including 2 homozygotes. The observed variant frequency within Latino control individuals in the gnomAD database exceeds the estimated maximal expected allele frequency for disease-causing variants in NBEA. To our knowledge, no occurrence of c.3824A>G in individuals affected with NBEA-related conditions and no experimental evidence demonstrating its impact on protein function have been reported. ClinVar contains an entry for this variant (Variation ID: 2350437). Based on the evidence outlined above, the variant was classified as likely benign.

Ambry Genetics
Classification: Likely benign for Inborn genetic diseases. Last evaluated: 2022-10-04. Review status: criteria provided, single submitter. Criteria: Ambry Variant Classification Scheme 2023. Collection method: clinical testing. Allele origin: germline.

PreventionGenetics, part of Exact Sciences
Classification: Likely benign for NBEA-related condition. Last evaluated: 2024-07-12. Review status: no assertion criteria provided. Collection method: clinical testing. Allele origin: germline. Not counted in ClinVar's aggregate classification.
Comment: This variant is classified as likely benign based on ACMG/AMP sequence variant interpretation guidelines (Richards et al. 2015 PMID: 25741868, with internal and published modifications).